The following is an entry in ClinVar:

NM_016247.4(IMPG2):c.1921C>T (p.Pro641Ser)

Gene: IMPG2 (interphotoreceptor matrix proteoglycan 2; minus strand). Cytogenetic location: 3q12.3.
Variant type: single nucleotide variant.
Coding change: c.1921C>T on transcript NM_016247.4 (MANE Select); coding-DNA position 1921, C replaced by T.
Protein change: p.Pro641Ser; replaces proline 641 with serine.
Molecular consequence: missense variant.
Genome position (GRCh38, 1-based): chr3:101,244,410, G>A on the plus strand (C>T on the coding strand, the complement: IMPG2 is on the minus strand). VCF-style: chr3-101244410-G-A. GRCh37 (hg19) VCF-style: chr3-100963254-G-A.
Other names: c.1921C>T (NM_016247.3); short protein forms P641S.
Identifiers: ClinVar variation 1010712 (VCV001010712.8), dbSNP rs571643570, ClinGen allele CA2519067.
Genomic context (GRCh38, chr3:101,244,410, plus strand): 5'-TTTGGTCTGTGGAATCCATTTTGTCAACTAAAACTAGTTTCTTGTCTTCAATCTCAGCTG[G>A]CAAAAGTGAATCATCATCTTCAAGCCACGGCTTGGACAGTGGTTCAGCGCTCTTCTCTGA-3'
Protein context (NP_057331.2, residues 631-651): PWLEDDDSLL[Pro641Ser]AEIEDKKLVL

ClinVar aggregate classification (germline): Uncertain significance. Review status: criteria provided, multiple submitters, no conflicts (2 of 4 stars). 2 submissions from 2 submitters: Uncertain significance (2). Last evaluated 2026-01-13.

Conditions:
IMPG2-related disorder. Also called: IMPG2-related condition.

Allele frequency attached by ClinVar (database versions not stated): gnomAD exomes below 0.00001 and 0.00002; gnomAD 0.00002 and 0.00005; TOPMed 0.00002; ExAC 0.00004; 1000 Genomes Project 30x 0.00031; 1000 Genomes Project 0.00040.
gnomAD v4.1: 19 of 1,614,124 alleles (0.0012%); highest among the groups gnomAD compares: East Asian, 0.011%; no homozygotes.

Submissions (2):

PreventionGenetics, part of Exact Sciences
Classification: Uncertain significance for IMPG2-related condition. Last evaluated: 2026-01-13. Review status: criteria provided, single submitter. Criteria: ACMG Guidelines, 2015. Collection method: clinical testing. Allele origin: germline.
Comment: The IMPG2 c.1921C>T variant is predicted to result in the amino acid substitution p.Pro641Ser. To our knowledge, this variant has not been reported in the literature. This variant is reported in 0.027% of alleles in individuals of East Asian descent in gnomAD. At this time, the clinical significance of this variant is uncertain due to the absence of conclusive functional and genetic evidence.

Labcorp Genetics (formerly Invitae), Labcorp
Classification: Uncertain significance. Last evaluated: 2022-10-25. Review status: criteria provided, single submitter. Criteria: Invitae Variant Classification Sherloc (09022015). Collection method: clinical testing. Allele origin: germline.
Comment: This sequence change replaces proline, which is neutral and non-polar, with serine, which is neutral and polar, at codon 641 of the IMPG2 protein (p.Pro641Ser). This variant is present in population databases (rs571643570, gnomAD 0.03%). This variant has not been reported in the literature in individuals affected with IMPG2-related conditions. ClinVar contains an entry for this variant (Variation ID: 1010712). Advanced modeling of protein sequence and biophysical properties (such as structural, functional, and spatial information, amino acid conservation, physicochemical variation, residue mobility, and thermodynamic stability) performed at Invitae indicates that this missense variant is not expected to disrupt IMPG2 protein function. In summary, the available evidence is currently insufficient to determine the role of this variant in disease. Therefore, it has been classified as a Variant of Uncertain Significance.